The following is an entry in ClinVar:

ClinVar aggregate classification (germline): Uncertain significance (1 of 4 stars; one submission).

Submission:

GeneDx
Classification: Uncertain significance. Last evaluated: 2026-02-17. Review status: criteria provided, single submitter. Criteria: GeneDx Variant Classification Process June 2021. Collection method: clinical testing. Allele origin: germline.
Comment: Frameshift variant predicted to result in protein truncation or nonsense mediated decay in a gene for which loss of function is a known mechanism of disease; Has not been previously published as pathogenic or benign to our knowledge

NM_006129.5(BMP1):c.1839dup (p.Asn614fs)

Gene: BMP1 (bone morphogenetic protein 1; plus strand). Cytogenetic location: 8p21.3.
Variant type: Duplication.
Coding change: c.1839dup on transcript NM_006129.5 (MANE Select); coding-DNA position 1839, one base duplicated (C; older notation c.1839dupC).
Protein change: p.Asn614fs; shifts the reading frame from asparagine 614.
Molecular consequence: frameshift variant. On other transcripts: non-coding transcript variant (2).
Genome position (GRCh38, 1-based): chr8:22,196,753, C duplicated; the last of 7 consecutive C bases (chr8:22,196,747-22,196,753); duplicating any one gives the same sequence. VCF-style (leftmost placement, unchanged base first): chr8-22196746-A-AC. GRCh37 (hg19) VCF-style: chr8-22054259-A-AC.
Other names: c.1839dup, p.Asn614fs (NM_001199.4); short protein forms N614fs.
Identifiers: ClinVar variation 4976427 (VCV004976427.1).